The following is an entry in ClinVar:

NM_000368.5(TSC1):c.2284A>G (p.Asn762Asp)

Gene: TSC1 (TSC complex subunit 1; minus strand). Cytogenetic location: 9q34.13.
Variant type: single nucleotide variant.
Coding change: c.2284A>G on transcript NM_000368.5 (MANE Select); coding-DNA position 2284, A replaced by G.
Protein change: p.Asn762Asp; replaces asparagine 762 with aspartic acid.
Molecular consequence: missense variant.
Genome position (GRCh38, 1-based): chr9:132,902,712, T>C on the plus strand (A>G on the coding strand, the complement: TSC1 is on the minus strand). VCF-style: chr9-132902712-T-C. GRCh37 (hg19) VCF-style: chr9-135778099-T-C.
Other names: c.2281A>G, p.Asn761Asp (NM_001162426.2); c.2131A>G, p.Asn711Asp (NM_001162427.2); c.1921A>G, p.Asn641Asp (NM_001362177.2); short protein forms N641D, N762D, N761D, N711D.
Identifiers: ClinVar variation 653307 (VCV000653307.13), dbSNP rs1264839312, ClinGen allele CA375359764.
Genomic context (GRCh38, chr9:132,902,712, plus strand): 5'-GCTGTCTGATCTGGCTGTGGAGCTTGGTTACCATAGTGTCACGCTGCTCCTGGAGCTGAT[T>C]GTATCTAGCTTGTTCTTTCTGCAGACTAACCTTCCACATCTGGATGTCCTTCTCTTGTAA-3'
Protein context (NP_000359.1, residues 752-772): VSLQKEQARY[Asn762Asp]QLQEQRDTMV

ClinVar aggregate classification (germline): Conflicting classifications of pathogenicity. Review status: criteria provided, conflicting classifications (1 of 4 stars). 5 submissions from 5 submitters: Uncertain significance (3); Likely benign (2). Last evaluated 2024-12-02.

Conditions:
Isolated focal cortical dysplasia type II (FCORD2). Also called: Focal cortical dysplasia type II; CORTICAL DYSPLASIA OF TAYLOR. Identifiers: Orphanet 268994, MedGen C1846385, MONDO:0011818, OMIM 607341, HP:0032051.
Hereditary cancer-predisposing syndrome. Also called: Hereditary Cancer Syndrome; Tumor predisposition; Neoplastic Syndromes, Hereditary; Hereditary neoplastic syndrome. Identifiers: Orphanet 140162, MedGen C0027672, MeSH D009386, MONDO:0015356.
Tuberous sclerosis syndrome (TSC). Also called: Tuberous sclerosis; Tuberous Sclerosis Complex. Identifiers: Orphanet 805, MedGen C0041341, MONDO:0001734.
Tuberous sclerosis 1 (TSC1). Identifiers: Orphanet 805, MedGen C1854465, MONDO:0008612, OMIM 191100.

Allele frequency attached by ClinVar (database versions not stated): gnomAD exomes below 0.00001 and 0.00002; TOPMed below 0.00001.
gnomAD v4.1: 32 of 1,614,194 alleles (0.002%); highest among the groups gnomAD compares: Non-Finnish European, 0.0025%; no homozygotes.

Submissions (5):

Labcorp Genetics (formerly Invitae), Labcorp
Classification: Likely benign for Tuberous sclerosis 1. Last evaluated: 2024-12-02. Review status: criteria provided, single submitter. Criteria: Invitae Variant Classification Sherloc (09022015). Collection method: clinical testing. Allele origin: germline.

All of Us Research Program, National Institutes of Health
Classification: Uncertain significance for Tuberous sclerosis syndrome. Last evaluated: 2024-05-14. Review status: criteria provided, single submitter. Criteria: ACMG Guidelines, 2015. Collection method: clinical testing. Allele origin: germline. Inheritance: Autosomal dominant inheritance. Observed: 1 variant allele, 1 heterozygote.
Comment: This missense variant replaces asparagine with aspartic acid at codon 762 of the TSC1 protein. Computational prediction suggests that this variant may not impact protein structure and function (internally defined REVEL score threshold <= 0.5, PMID: 27666373). To our knowledge, functional studies have not been reported for this variant. This variant has not been reported in individuals affected with TSC1-related disorders in the literature. This variant has been identified in 1/251434 chromosomes in the general population by the Genome Aggregation Database (gnomAD). The available evidence is insufficient to determine the role of this variant in disease conclusively. Therefore, this variant is classified as a Variant of Uncertain Significance.

This study involves interpretation of variants in research participants for the purpose of population health screening. Participant phenotype was not available at the time of variant classification. Additional details can be found in publication PMID: 35346344, PMCID: PMC8962531

Color Diagnostics, LLC DBA Color Health
Classification: Uncertain significance for Tuberous sclerosis syndrome. Last evaluated: 2024-04-17. Review status: criteria provided, single submitter. Criteria: ACMG Guidelines, 2015. Collection method: clinical testing. Allele origin: germline.
Comment: This missense variant replaces asparagine with aspartic acid at codon 762 of the TSC1 protein. Computational prediction suggests that this variant may not impact protein structure and function. To our knowledge, functional studies have not been reported for this variant. This variant has not been reported in individuals affected with TSC1-related disorders in the literature. This variant has been identified in 1/251434 chromosomes in the general population by the Genome Aggregation Database (gnomAD). The available evidence is insufficient to determine the role of this variant in disease conclusively. Therefore, this variant is classified as a Variant of Uncertain Significance.

Ambry Genetics
Classification: Likely benign for Hereditary cancer-predisposing syndrome. Last evaluated: 2024-01-23. Review status: criteria provided, single submitter. Criteria: Ambry Variant Classification Scheme 2023. Collection method: clinical testing. Allele origin: germline.

Baylor Genetics
Classification: Uncertain significance for Isolated focal cortical dysplasia type II. Last evaluated: 2023-10-30. Review status: criteria provided, single submitter. Criteria: ACMG Guidelines, 2015. Collection method: clinical testing. Allele origin: unknown.